The following is an entry in ClinVar:

NM_006663.4(PPP1R13L):c.1617C>T (p.His539=)

Gene: PPP1R13L (protein phosphatase 1 regulatory subunit 13 like; minus strand). Cytogenetic location: 19q13.32.
Variant type: single nucleotide variant.
Coding change: c.1617C>T on transcript NM_006663.4 (MANE Select); coding-DNA position 1617, C replaced by T.
Protein change: p.His539=; no amino-acid change (histidine 539 retained).
Molecular consequence: synonymous variant.
Genome position (GRCh38, 1-based): chr19:45,392,078, G>A on the plus strand (C>T on the coding strand, the complement: PPP1R13L is on the minus strand). VCF-style: chr19-45392078-G-A. GRCh37 (hg19) VCF-style: chr19-45895336-G-A.
Other names: c.1617C>T, p.His539= (NM_001142502.2).
Identifiers: ClinVar variation 4820566 (VCV004820566.1), dbSNP rs1972985891.

ClinVar aggregate classification (germline): Likely benign (1 of 4 stars; one submission).

gnomAD v4.1: 1 of 1,539,126 alleles (0.000065%); highest among the groups gnomAD compares: Non-Finnish European, 0.000087%; no homozygotes.

Submission:

Molecular Diagnostic Laboratory for Inherited Cardiovascular Disease, Montreal Heart Institute
Classification: Likely benign. Last evaluated: 2026-03-27. Review status: criteria provided, single submitter. Criteria: ACMG Guidelines, 2015. Collection method: clinical testing. Allele origin: germline. Affected: no.
Comment: BP7